The following is an entry in ClinVar:

ClinVar aggregate classification (germline): Likely pathogenic (0 of 4 stars; one submission).

Conditions:
ELAC2-related disorder. Also called: ELAC2-related condition.

Allele frequency attached by ClinVar (database versions not stated): TOPMed below 0.00001.

Submission:

PreventionGenetics, part of Exact Sciences
Classification: Likely pathogenic for ELAC2-related condition. Last evaluated: 2024-02-29. Review status: no assertion criteria provided. Collection method: clinical testing. Allele origin: germline.
Comment: The ELAC2 c.2254-2A>G variant is predicted to disrupt the AG splice acceptor site and interfere with normal splicing. To our knowledge, this variant has not been reported in the literature or in a large population database, indicating this variant is rare. Variants that disrupt the consensus splice acceptor site in ELAC2 are expected to be pathogenic. This variant is interpreted as likely pathogenic.

NM_018127.7(ELAC2):c.2254-2A>G

Gene: ELAC2 (elaC ribonuclease Z 2; minus strand). Cytogenetic location: 17p12.
Variant type: single nucleotide variant.
Coding change: c.2254-2A>G on transcript NM_018127.7 (MANE Select); the canonical splice acceptor site of the intron before coding-DNA position 2254, A replaced by G.
Molecular consequence: splice acceptor variant.
Genome position (GRCh38, 1-based): chr17:12,993,047, T>C on the plus strand (A>G on the coding strand, the complement: ELAC2 is on the minus strand). VCF-style: chr17-12993047-T-C. GRCh37 (hg19) VCF-style: chr17-12896364-T-C.
Other names: c.2134-2A>G (NM_001165962.2); c.2251-2A>G (NM_173717.2).
Identifiers: ClinVar variation 3061315 (VCV003061315.2), dbSNP rs1214177178, ClinGen allele CA398222459.